The following is an entry in ClinVar:

NM_138289.4(ACTRT1):c.823C>T (p.Leu275Phe)

Gene: ACTRT1 (actin related protein T1; minus strand). Cytogenetic location: Xq25.
Variant type: single nucleotide variant.
Coding change: c.823C>T on transcript NM_138289.4 (MANE Select); coding-DNA position 823, C replaced by T.
Protein change: p.Leu275Phe; replaces leucine 275 with phenylalanine.
Molecular consequence: missense variant.
Genome position (GRCh38, 1-based): chrX:128,051,384, G>A on the plus strand (C>T on the coding strand, the complement: ACTRT1 is on the minus strand). VCF-style: chrX-128051384-G-A. GRCh37 (hg19) VCF-style: chrX-127185363-G-A.
Other names: short protein forms L275F.
Identifiers: ClinVar variation 2661386 (VCV002661386.24), dbSNP rs2520507206, ClinGen allele CA414330542.

ClinVar aggregate classification (germline): Uncertain significance (1 of 4 stars; one submission).

Submission:

CeGaT Center for Human Genetics Tuebingen
Classification: Uncertain significance. Last evaluated: 2023-07-01. Review status: criteria provided, single submitter. Criteria: CeGaT Center For Human Genetics Tuebingen Variant Classification Criteria Version 2. Collection method: clinical testing. Allele origin: germline. Affected: yes. Observed: 1 variant allele.
Comment: ACTRT1: PM2, BP4